The following is an entry in ClinVar:

ClinVar aggregate classification (germline): Uncertain significance (1 of 4 stars; one submission).

Submission:

Labcorp Genetics (formerly Invitae), Labcorp
Classification: Uncertain significance. Last evaluated: 2022-10-13. Review status: criteria provided, single submitter. Criteria: Invitae Variant Classification Sherloc (09022015). Collection method: clinical testing. Allele origin: germline.
Comment: This sequence change replaces leucine, which is neutral and non-polar, with proline, which is neutral and non-polar, at codon 1195 of the DUOX2 protein (p.Leu1195Pro). This variant is not present in population databases (gnomAD no frequency). This variant has not been reported in the literature in individuals affected with DUOX2-related conditions. ClinVar contains an entry for this variant (Variation ID: 1434104). Advanced modeling of protein sequence and biophysical properties (such as structural, functional, and spatial information, amino acid conservation, physicochemical variation, residue mobility, and thermodynamic stability) performed at Invitae indicates that this missense variant is expected to disrupt DUOX2 protein function. In summary, the available evidence is currently insufficient to determine the role of this variant in disease. Therefore, it has been classified as a Variant of Uncertain Significance.

NM_001363711.2(DUOX2):c.3584T>C (p.Leu1195Pro)

Gene: DUOX2 (dual oxidase 2; minus strand). Cytogenetic location: 15q21.1.
Variant type: single nucleotide variant.
Coding change: c.3584T>C on transcript NM_001363711.2 (MANE Select); coding-DNA position 3584, T replaced by C.
Protein change: p.Leu1195Pro; replaces leucine 1195 with proline.
Molecular consequence: missense variant.
Genome position (GRCh38, 1-based): chr15:45,097,723, A>G on the plus strand (T>C on the coding strand, the complement: DUOX2 is on the minus strand). VCF-style: chr15-45097723-A-G. GRCh37 (hg19) VCF-style: chr15-45389921-A-G.
Other names: c.3584T>C, p.Leu1195Pro (NM_014080.5); short protein forms L1195P.
Identifiers: ClinVar variation 1434104 (VCV001434104.8), dbSNP rs756431414, ClinGen allele CA392256444.
Genomic context (GRCh38, chr15:45,097,723, plus strand): 5'-AAGCTGCGGCGGCGGAAGTGGTGGGAGGCGAAGACATACATGATGGCCAGGACCAGGAGC[A>G]GAAGCACACCTGTCATACCTGGGGGCAGGAAGACAGGGCCAGTGAGTAGTCTCAGGACTT-3'
Protein context (NP_001350640.1, residues 1185-1205): QTVPGMTGVL[Leu1195Pro]LLVLAIMYVF